The following is an entry in ClinVar:

ClinVar aggregate classification (germline): Uncertain significance. Review status: criteria provided, multiple submitters, no conflicts (2 of 4 stars). 3 submissions from 3 submitters: Uncertain significance (3). Last evaluated 2025-09-30.

Conditions:
Atypical hemolytic-uremic syndrome. Identifiers: Orphanet 2134, MedGen C2931788, MONDO:0016244.

Allele frequency attached by ClinVar (database versions not stated): gnomAD exomes below 0.00001; ExAC 0.00001; TOPMed 0.00001; gnomAD 0.00002; ESP Exome Variant Server 0.00008.
gnomAD v4.1: 6 of 1,613,960 alleles (0.00037%); highest among the groups gnomAD compares: East Asian, 0.0045%; no homozygotes.

Submissions (3):

Genomenon, Inc
Classification: Uncertain significance for Atypical hemolytic-uremic syndrome. Last evaluated: 2025-09-30. Review status: criteria provided, single submitter. Criteria: Genomenon Sequence Variant Interpretation Standards. Collection method: curation. Allele origin: germline. Affected: yes.
Comment: C3 p.Glu1159Lys (c.3475G>A) is a missense variant that changes the amino acid at residue 1159 from Glutamic acid to Lysine. This variant has been observed in at least one proband affected with atypical hemolytic-uremic syndrome (PMID:30890598). It is absent or not present at a significant frequency in gnomAD. In silico models agree that this variant is not damaging. In conclusion, we classify C3 p.Glu1159Lys (c.3475G>A) as a variant of unknown significance.

Labcorp Genetics (formerly Invitae), Labcorp
Classification: Uncertain significance. Last evaluated: 2024-04-25. Review status: criteria provided, single submitter. Criteria: Invitae Variant Classification Sherloc (09022015). Collection method: clinical testing. Allele origin: germline.
Comment: This sequence change replaces glutamic acid, which is acidic and polar, with lysine, which is basic and polar, at codon 1159 of the C3 protein (p.Glu1159Lys). This variant is present in population databases (rs367654112, gnomAD 0.0009%). This variant has not been reported in the literature in individuals affected with C3-related conditions. ClinVar contains an entry for this variant (Variation ID: 1163115). Advanced modeling of protein sequence and biophysical properties (such as structural, functional, and spatial information, amino acid conservation, physicochemical variation, residue mobility, and thermodynamic stability) performed at Invitae indicates that this missense variant is not expected to disrupt C3 protein function with a negative predictive value of 80%. In summary, the available evidence is currently insufficient to determine the role of this variant in disease. Therefore, it has been classified as a Variant of Uncertain Significance.

Mayo Clinic Laboratories, Mayo Clinic
Classification: Uncertain significance. Last evaluated: 2020-02-19. Review status: criteria provided, single submitter. Criteria: ACMG Guidelines, 2015. Collection method: clinical testing. Allele origin: germline. Observed: 1 variant allele.

Literature cited by the submitters: PubMed 30890598 (cited by Genomenon, Inc).

NM_000064.4(C3):c.3475G>A (p.Glu1159Lys)

Gene: C3 (complement C3; minus strand). Cytogenetic location: 19p13.3.
Variant type: single nucleotide variant.
Coding change: c.3475G>A on transcript NM_000064.4 (MANE Select); coding-DNA position 3475, G replaced by A.
Protein change: p.Glu1159Lys; replaces glutamic acid 1159 with lysine.
Molecular consequence: missense variant.
Genome position (GRCh38, 1-based): chr19:6,690,643, C>T on the plus strand (G>A on the coding strand, the complement: C3 is on the minus strand). VCF-style: chr19-6690643-C-T. GRCh37 (hg19) VCF-style: chr19-6690654-C-T.
Other names: short protein forms E1159K.
Identifiers: ClinVar variation 1163115 (VCV001163115.9), dbSNP rs367654112, ClinGen allele CA9128724.